The following is an entry in ClinVar:

ClinVar aggregate classification (germline): Benign/Likely benign. Review status: criteria provided, multiple submitters, no conflicts (2 of 4 stars). 3 submissions from 3 submitters: Benign (1); Likely benign (2). Last evaluated 2024-07-16.

Conditions:
BAP1-related tumor predisposition syndrome (TPDS1). Also called: BAP1 tumor predisposition syndrome; TUMOR PREDISPOSITION SYNDROME 1; COMMON Syndrome; Tumor susceptibility linked to germline BAP1 mutations. Identifiers: Orphanet 289539, MedGen C3280492, MONDO:0013692, OMIM 614327.
Hereditary cancer-predisposing syndrome. Also called: Hereditary neoplastic syndrome; Neoplastic Syndromes, Hereditary; Tumor predisposition; Hereditary Cancer Syndrome. Identifiers: Orphanet 140162, MedGen C0027672, MeSH D009386, MONDO:0015356.

Allele frequency attached by ClinVar (database versions not stated): gnomAD exomes below 0.00001; gnomAD 0.00001.

Submissions (3):

Myriad Genetics, Inc.
Classification: Benign for BAP1-related tumor predisposition syndrome. Last evaluated: 2024-07-16. Review status: criteria provided, single submitter. Criteria: Myriad Autosomal Dominant, Autosomal Recessive and X-Linked Classification Criteria (2023). Collection method: clinical testing. Allele origin: unknown.
Comment: This variant is considered benign. This variant is a silent/synonymous amino acid change and it is not expected to impact splicing.

Labcorp Genetics (formerly Invitae), Labcorp
Classification: Likely benign for BAP1-related tumor predisposition syndrome. Last evaluated: 2024-05-31. Review status: criteria provided, single submitter. Criteria: Invitae Variant Classification Sherloc (09022015). Collection method: clinical testing. Allele origin: germline.

Ambry Genetics
Classification: Likely benign for Hereditary cancer-predisposing syndrome. Last evaluated: 2022-04-19. Review status: criteria provided, single submitter. Criteria: Ambry Variant Classification Scheme 2023. Collection method: clinical testing. Allele origin: germline.

NM_004656.4(BAP1):c.1545C>T (p.Asn515=)

Gene: BAP1 (BRCA1 associated deubiquitinase 1; minus strand). Cytogenetic location: 3p21.1.
Variant type: single nucleotide variant.
Coding change: c.1545C>T on transcript NM_004656.4 (MANE Select); coding-DNA position 1545, C replaced by T.
Protein change: p.Asn515=; no amino-acid change (asparagine 515 retained).
Molecular consequence: synonymous variant.
Genome position (GRCh38, 1-based): chr3:52,403,600, G>A on the plus strand (C>T on the coding strand, the complement: BAP1 is on the minus strand). VCF-style: chr3-52403600-G-A. GRCh37 (hg19) VCF-style: chr3-52437616-G-A.
Identifiers: ClinVar variation 1145027 (VCV001145027.10), dbSNP rs1705044494, ClinGen allele CA433886078.